The following is an entry in ClinVar:

ClinVar aggregate classification (germline): Conflicting classifications of pathogenicity. Review status: criteria provided, conflicting classifications (1 of 4 stars). 2 submissions from 2 submitters: Uncertain significance (1); Likely benign (1). Last evaluated 2025-07-02.

Conditions:
Congenital primary aphakia. Also called: Anterior segment dysgenesis 2, multiple subtypes; ANTERIOR SEGMENT DYSGENESIS 2. Identifiers: Orphanet 83461, MedGen C1853230, MONDO:0012456, OMIM 610256.
Anterior segment dysgenesis. Also called: Ocular anterior segment dysgenesis. Identifiers: Orphanet 88632, MedGen C1862839, MONDO:0019503, HP:0007700.
Cardiovascular phenotype. Identifiers: MedGen CN230736.

Submissions (2):

Ambry Genetics
Classification: Likely benign for Cardiovascular phenotype. Last evaluated: 2025-07-02. Review status: criteria provided, single submitter. Criteria: Ambry Variant Classification Scheme 2023. Collection method: clinical testing. Allele origin: germline.

Labcorp Genetics (formerly Invitae), Labcorp
Classification: Uncertain significance for Anterior segment dysgenesis; Congenital primary aphakia. Last evaluated: 2024-05-17. Review status: criteria provided, single submitter. Criteria: Invitae Variant Classification Sherloc (09022015). Collection method: clinical testing. Allele origin: germline.
Comment: This sequence change affects codon 12 of the FOXE3 mRNA. It is a 'silent' change, meaning that it does not change the encoded amino acid sequence of the FOXE3 protein. This variant is present in population databases (no rsID available, gnomAD 0.007%). This variant has not been reported in the literature in individuals affected with FOXE3-related conditions. Experimental studies and prediction algorithms are not available or were not evaluated, and the effect of this variant on mRNA splicing is currently unknown. In summary, the available evidence is currently insufficient to determine the role of this variant in disease. Therefore, it has been classified as a Variant of Uncertain Significance.

NM_012186.3(FOXE3):c.36G>A (p.Ala12=)

Genes: FOXE3 (forkhead box E3; plus strand), LINC01389 (long independently transcribed non-coding RNA 1389; minus strand). Cytogenetic location: 1p33.
Variant type: single nucleotide variant.
Coding change: c.36G>A on transcript NM_012186.3 (MANE Select); coding-DNA position 36, G replaced by A.
Protein change: p.Ala12=; no amino-acid change (alanine 12 retained).
Molecular consequence: synonymous variant.
Genome position (GRCh38, 1-based): chr1:47,416,351, G>A. VCF-style: chr1-47416351-G-A. GRCh37 (hg19) VCF-style: chr1-47882023-G-A.
Other names: c.36G>A (NM_012186.2).
Identifiers: ClinVar variation 3751101 (VCV003751101.3).